The following is an entry in ClinVar:

ClinVar aggregate classification (germline): Uncertain significance (1 of 4 stars; one submission).

gnomAD v4.1: 2 of 1,613,998 alleles (0.00012%); highest among the groups gnomAD compares: Non-Finnish European, 0.00017%; no homozygotes.

Submission:

Labcorp Genetics (formerly Invitae), Labcorp
Classification: Uncertain significance. Last evaluated: 2025-05-19. Review status: criteria provided, single submitter. Criteria: Invitae Variant Classification Sherloc (09022015). Collection method: clinical testing. Allele origin: germline.
Comment: This sequence change replaces lysine, which is basic and polar, with isoleucine, which is neutral and non-polar, at codon 1685 of the ALPK3 protein (p.Lys1685Ile). This variant is not present in population databases (gnomAD no frequency). This variant has not been reported in the literature in individuals affected with ALPK3-related conditions. Invitae Evidence Modeling of protein sequence and biophysical properties (such as structural, functional, and spatial information, amino acid conservation, physicochemical variation, residue mobility, and thermodynamic stability) indicates that this missense variant is expected to disrupt ALPK3 protein function with a positive predictive value of 80%. In summary, the available evidence is currently insufficient to determine the role of this variant in disease. Therefore, it has been classified as a Variant of Uncertain Significance.

NM_020778.5(ALPK3):c.4448A>T (p.Lys1483Ile)

Gene: ALPK3 (alpha kinase 3; plus strand). Cytogenetic location: 15q25.3.
Variant type: single nucleotide variant.
Coding change: c.4448A>T on transcript NM_020778.5 (MANE Select); coding-DNA position 4448, A replaced by T.
Protein change: p.Lys1483Ile; replaces lysine 1483 with isoleucine.
Molecular consequence: missense variant.
Genome position (GRCh38, 1-based): chr15:84,863,589, A>T. VCF-style: chr15-84863589-A-T. GRCh37 (hg19) VCF-style: chr15-85406820-A-T.
Other names: short protein forms K1483I.
Identifiers: ClinVar variation 4768062 (VCV004768062.1).
Genomic context (GRCh38, chr15:84,863,589, plus strand): 5'-ACATTTGGTTCCCTCATCCACAGGGGTGCAAGATCCAGAACATGAGTCGGGAGTACTGCA[A>T]AATCTTCGCAGCAGAAGCCCGGGCCGCGCCTGGCTTTGGGGAGGTGCCTGAGTAAGTACG-3'
Protein context (NP_065829.4, residues 1473-1493): KIQNMSREYC[Lys1483Ile]IFAAEARAAP